The following is an entry in ClinVar:

ClinVar aggregate classification (germline): Uncertain significance. Review status: criteria provided, multiple submitters, no conflicts (2 of 4 stars). 5 submissions from 5 submitters: Uncertain significance (5). Last evaluated 2025-05-28.

Conditions:
Familial thoracic aortic aneurysm and aortic dissection (TAAD). Also called: Thoracic aortic aneurysms and dissections. Identifiers: Orphanet 91387, MedGen C4707243, MONDO:0019625.
Loeys-Dietz syndrome 2 (LDS2). Also called: TGFBR2-Related Loeys-Dietz Syndrome; AORTIC ANEURYSM, FAMILIAL THORACIC 3; MARFAN SYNDROME, TYPE II; Marfan Syndrome type 2; Marfan like connective tissue disorder; MFS 2. Identifiers: Orphanet 284973, Orphanet 558, MedGen C2674574, MONDO:0012427, OMIM 610168.

Allele frequency attached by ClinVar (database versions not stated): TOPMed below 0.00001.

Submissions (5):

Labcorp Genetics (formerly Invitae), Labcorp
Classification: Uncertain significance for Familial thoracic aortic aneurysm and aortic dissection. Last evaluated: 2025-05-28. Review status: criteria provided, single submitter. Criteria: Invitae Variant Classification Sherloc (09022015). Collection method: clinical testing. Allele origin: germline.
Comment: This sequence change replaces aspartic acid, which is acidic and polar, with glutamic acid, which is acidic and polar, at codon 412 of the TGFBR2 protein (p.Asp412Glu). This variant is not present in population databases (gnomAD no frequency). This variant has not been reported in the literature in individuals affected with TGFBR2-related conditions. ClinVar contains an entry for this variant (Variation ID: 925629). Invitae Evidence Modeling of protein sequence and biophysical properties (such as structural, functional, and spatial information, amino acid conservation, physicochemical variation, residue mobility, and thermodynamic stability) indicates that this missense variant is not expected to disrupt TGFBR2 protein function with a negative predictive value of 95%. In summary, the available evidence is currently insufficient to determine the role of this variant in disease. Therefore, it has been classified as a Variant of Uncertain Significance.

Women's Health and Genetics/Laboratory Corporation of America, LabCorp
Classification: Uncertain significance. Last evaluated: 2024-05-26. Review status: criteria provided, single submitter. Criteria: LabCorp Variant Classification Summary - May 2015. Collection method: clinical testing. Allele origin: germline.

Color Diagnostics, LLC DBA Color Health
Classification: Uncertain significance for Familial thoracic aortic aneurysm and aortic dissection. Last evaluated: 2024-03-06. Review status: criteria provided, single submitter. Criteria: ACMG Guidelines, 2015. Collection method: clinical testing. Allele origin: germline.
Comment: This missense variant replaces aspartic acid with glutamic acid at codon 412 of the TGFBR2 protein. Computational prediction suggests that this variant may not impact protein structure and function (internally defined REVEL score threshold <= 0.5, PMID: 27666373). To our knowledge, functional studies have not been reported for this variant. This variant has not been reported in individuals affected with TGFBR2-related disorders in the literature. This variant has not been identified in the general population by the Genome Aggregation Database (gnomAD). The available evidence is insufficient to determine the role of this variant in disease conclusively. Therefore, this variant is classified as a Variant of Uncertain Significance.

All of Us Research Program, National Institutes of Health
Classification: Uncertain significance for Loeys-Dietz syndrome 2. Last evaluated: 2023-12-13. Review status: criteria provided, single submitter. Criteria: ACMG Guidelines, 2015. Collection method: clinical testing. Allele origin: germline. Inheritance: Autosomal dominant inheritance. Observed: 3 variant alleles, 3 heterozygotes.
Comment: Variant of Uncertain Significance due to insufficient evidence: This missense variant is located in the kinase domain of the TGFBR2 protein. Computational prediction tools and conservation analyses are inconclusive regarding the impact of this variant on the protein function. Computational splicing tools suggest that this variant may not impact RNA splicing. To our knowledge, functional assays have not been performed for this variant nor has this variant been reported in individuals affected with cardiovascular disorders in the literature. This variant is rare in the general population and has been identified in 0/277264 chromosomes by the Genome Aggregation Database (gnomAD). Available evidence is insufficient to determine the pathogenicity of this variant conclusively.

This study involves interpretation of variants in research participants for the purpose of population health screening. Participant phenotype was not available at the time of variant classification. Additional details can be found in publication PMID: 35346344, PMCID: PMC8962531

Ambry Genetics
Classification: Uncertain significance for Familial thoracic aortic aneurysm and aortic dissection. Last evaluated: 2023-09-06. Review status: criteria provided, single submitter. Criteria: Ambry Variant Classification Scheme 2023. Collection method: clinical testing. Allele origin: germline.
Comment: The p.D412E variant (also known as c.1236C>A), located in coding exon 4 of the TGFBR2 gene, results from a C to A substitution at nucleotide position 1236. The aspartic acid at codon 412 is replaced by glutamic acid, an amino acid with highly similar properties. This amino acid position is conserved. In addition, this alteration is predicted to be tolerated by in silico analysis. Since supporting evidence is limited at this time, the clinical significance of this alteration remains unclear.

NM_003242.6(TGFBR2):c.1236C>A (p.Asp412Glu)

Gene: TGFBR2 (transforming growth factor beta receptor 2; plus strand). Cytogenetic location: 3p24.1.
Variant type: single nucleotide variant.
Coding change: c.1236C>A on transcript NM_003242.6 (MANE Select); coding-DNA position 1236, C replaced by A.
Protein change: p.Asp412Glu; replaces aspartic acid 412 with glutamic acid.
Molecular consequence: missense variant.
Genome position (GRCh38, 1-based): chr3:30,672,419, C>A. VCF-style: chr3-30672419-C-A. GRCh37 (hg19) VCF-style: chr3-30713911-C-A.
Other names: c.1131C>A, p.Asp377Glu (NM_001407136.1, NM_001407132.1, NM_001407133.1 and 2 more transcripts); c.951C>A, p.Asp317Glu (NM_001407137.1); c.876C>A, p.Asp292Glu (NM_001407138.1); c.1311C>A, p.Asp437Glu (NM_001024847.3); c.1419C>A, p.Asp473Glu (NM_001407126.1); c.1344C>A, p.Asp448Glu (NM_001407127.1); c.1263C>A, p.Asp421Glu (NM_001407128.1); c.1239C>A, p.Asp413Glu (NM_001407129.1); and 1 more; short protein forms D437E, D412E, D377E, D413E, D292E, D421E, D473E, D317E.
Identifiers: ClinVar variation 925629 (VCV000925629.14), dbSNP rs1699361148, ClinGen allele CA351808817.
Genomic context (GRCh38, chr3:30,672,419, plus strand): 5'-CTGCTGCCTGTGTGACTTTGGGCTTTCCCTGCGTCTGGACCCTACTCTGTCTGTGGATGA[C>A]CTGGCTAACAGTGGGCAGGTAAGTTAGAGCTAGTGCTAGATCCCCTTTACCTTGAGCCTG-3'
Protein context (NP_003233.4, residues 402-422): LRLDPTLSVD[Asp412Glu]LANSGQVGTA